The following is an entry in ClinVar:

ClinVar aggregate classification (germline): Uncertain significance. Review status: criteria provided, multiple submitters, no conflicts (2 of 4 stars). 2 submissions from 2 submitters: Uncertain significance (2). Last evaluated 2024-08-13.

Allele frequency attached by ClinVar (database versions not stated): gnomAD 0.00013; ExAC 0.00014; TOPMed 0.00014; ESP Exome Variant Server 0.00023; gnomAD exomes 0.00024.
gnomAD v4.1: 371 of 1,613,062 alleles (0.023%); highest among the groups gnomAD compares: Non-Finnish European, 0.03%; no homozygotes.

Submissions (2):

Mayo Clinic Laboratories, Mayo Clinic
Classification: Uncertain significance. Last evaluated: 2024-08-13. Review status: criteria provided, single submitter. Criteria: ACMG Guidelines, 2015. Collection method: clinical testing. Allele origin: germline. Observed: 1 variant allele.
Comment: BP4

Labcorp Genetics (formerly Invitae), Labcorp
Classification: Uncertain significance. Last evaluated: 2022-08-09. Review status: criteria provided, single submitter. Criteria: Invitae Variant Classification Sherloc (09022015). Collection method: clinical testing. Allele origin: germline.
Comment: This sequence change replaces serine, which is neutral and polar, with glycine, which is neutral and non-polar, at codon 703 of the SLC9A3 protein (p.Ser703Gly). This variant is present in population databases (rs368610931, gnomAD 0.02%). This variant has not been reported in the literature in individuals affected with SLC9A3-related conditions. Algorithms developed to predict the effect of missense changes on protein structure and function are either unavailable or do not agree on the potential impact of this missense change (SIFT: "Not Available"; PolyPhen-2: "Benign"; Align-GVGD: "Not Available"). In summary, the available evidence is currently insufficient to determine the role of this variant in disease. Therefore, it has been classified as a Variant of Uncertain Significance.

Literature cited by the submitters: PubMed 25715704 (cited by Mayo Clinic Laboratories, Mayo Clinic).

NM_004174.4(SLC9A3):c.2107A>G (p.Ser703Gly)

Genes: SLC9A3 (solute carrier family 9 member A3), SLC9A3-AS1 (SLC9A3 antisense RNA 1; plus strand). Cytogenetic location: 5p15.33.
Variant type: single nucleotide variant.
Coding change: c.2107A>G on transcript NM_004174.4 (MANE Select); coding-DNA position 2107, A replaced by G.
Protein change: p.Ser703Gly; replaces serine 703 with glycine.
Molecular consequence: missense variant.
Genome position (GRCh38, 1-based): chr5:476,053, T>C on the plus strand (A>G on the coding strand, the complement: SLC9A3 is on the minus strand). VCF-style: chr5-476053-T-C. GRCh37 (hg19) VCF-style: chr5-476168-T-C.
Other names: p.Ser703Gly; c.2080A>G, p.Ser694Gly (NM_001284351.3); short protein forms S703G, S694G.
Identifiers: ClinVar variation 2181403 (VCV002181403.2), dbSNP rs368610931, ClinGen allele CA3175565.
Genomic context (GRCh38, chr5:476,053, plus strand): 5'-AGCGTTCCTGCAGGGCCCCCAGCGCACCTTTCTCCTTGATGGTGAAATTCTGCGCAGGGC[T>C]CTCCATGGGCAGCTTCCCATTGGGGATGCTGCTGTTTCTCTGCGGAGCAAACGTGAAGCT-3'
Protein context (NP_004165.2, residues 693-713): SIPNGKLPME[Ser703Gly]PAQNFTIKEK